The following is an entry in ClinVar:

NM_001366385.1(CARD14):c.94C>T (p.Arg32Cys)

Gene: CARD14 (caspase recruitment domain family member 14; plus strand). Cytogenetic location: 17q25.3.
Variant type: single nucleotide variant.
Coding change: c.94C>T on transcript NM_001366385.1 (MANE Select); coding-DNA position 94, C replaced by T.
Protein change: p.Arg32Cys; replaces arginine 32 with cysteine.
Molecular consequence: missense variant. On other transcripts: non-coding transcript variant (1).
Genome position (GRCh38, 1-based): chr17:80,181,532, C>T. VCF-style: chr17-80181532-C-T. GRCh37 (hg19) VCF-style: chr17-78155331-C-T.
Other names: c.94C>T, p.Arg32Cys (NM_001257970.1, NM_024110.4); short protein forms R32C.
Identifiers: ClinVar variation 645960 (VCV000645960.11), dbSNP rs895639722, ClinGen allele CA294905021.

ClinVar aggregate classification (germline): Uncertain significance (1 of 4 stars; one submission).

Conditions:
Pityriasis rubra pilaris (PRP). Also called: Pityriasis rubra pilaris--familial type. Identifiers: Orphanet 2897, MedGen C0032027, MONDO:0100017, OMIM 173200, MONDO:0008251.
Psoriasis 2. Identifiers: MedGen C1864497, MONDO:0011269, OMIM 602723.

Allele frequency attached by ClinVar (database versions not stated): gnomAD 0.00001; TOPMed 0.00002; gnomAD exomes 0.00003.
gnomAD v4.1: 39 of 1,584,892 alleles (0.0025%); highest among the groups gnomAD compares: South Asian, 0.018%; no homozygotes.

Submission:

Labcorp Genetics (formerly Invitae), Labcorp
Classification: Uncertain significance for Pityriasis rubra pilaris; Psoriasis 2. Last evaluated: 2024-11-18. Review status: criteria provided, single submitter. Criteria: Invitae Variant Classification Sherloc (09022015). Collection method: clinical testing. Allele origin: germline.
Comment: This sequence change replaces arginine, which is basic and polar, with cysteine, which is neutral and slightly polar, at codon 32 of the CARD14 protein (p.Arg32Cys). This variant is present in population databases (no rsID available, gnomAD 0.008%). This variant has not been reported in the literature in individuals affected with CARD14-related conditions. ClinVar contains an entry for this variant (Variation ID: 645960). Invitae Evidence Modeling of protein sequence and biophysical properties (such as structural, functional, and spatial information, amino acid conservation, physicochemical variation, residue mobility, and thermodynamic stability) indicates that this missense variant is not expected to disrupt CARD14 protein function with a negative predictive value of 95%. In summary, the available evidence is currently insufficient to determine the role of this variant in disease. Therefore, it has been classified as a Variant of Uncertain Significance.